The following is an entry in ClinVar:

NC_012920.1(MT-TW):m.5538G>A

Gene: MT-TW (mitochondrially encoded tRNA tryptophan; plus strand).
Variant type: single nucleotide variant.
Genome position: chrM-5538-G-A.
Identifiers: ClinVar variation 689930 (VCV000689930.2), dbSNP rs1603220012, ClinGen allele CA913179793.
Genomic context (GRCh38, chrMT:5,538, plus strand): 5'-CTACCTATCTCCCCTTTTATACTAATAATCTTATAGAAATTTAGGTTAAATACAGACCAA[G>A]AGCCTTCAAAGCCCTCAGTAAGTTGCAATACTTAATTTCTGTAACAGCTAAGGACTGCAA-3'

ClinVar aggregate classification (germline): Uncertain significance. Review status: reviewed by expert panel (3 of 4 stars). 2 submissions from 2 submitters: Uncertain significance (1). 1 of the submissions does not count toward it. Last evaluated 2021-10-26.

Conditions:
Mitochondrial disease. Also called: Mitochondrial disorder; Mitochondrial disorders. Identifiers: Orphanet 68380, MedGen C0751651, MeSH D028361, MONDO:0044970.
MELAS syndrome (MELAS). Also called: Juvenile myopathy, encephalopathy, lactic acidosis, stroke. Identifiers: Orphanet 550, MedGen C0162671, MONDO:0010789, OMIM 540000.

Submissions (2):

ClinGen Mitochondrial Disease Nuclear and Mitochondrial  Variant Curation Expert Panel, ClinGen
Classification: Uncertain significance for Mitochondrial disease. Last evaluated: 2021-10-26. Review status: reviewed by expert panel. Criteria: clingen mito disease acmg specifications v1-1. Collection method: curation. Allele origin: germline. Inheritance: Mitochondrial inheritance.
Comment: The m.5538G>A variant in MT-TW was reviewed by the Mitochondrial Disease Nuclear and Mitochondrial Variant Curation Expert Panel as part of the variant pilot for mitochondrial DNA variant specifications (McCormick et al., 2020; PMID: 32906214). This variant has been reported in three affected individuals in two families (PMID: 20708751, PMID: 29043143), however haplogroups were not provided as necessary to apply PS4_supporting. No instances of de novo inheritance have been reported. There has been only one report of multiple family members with this variant and only mother and proband were reported although variant heteroplasmy load did correlate with symptoms in proband and mother (PMID: 20708751). This variant is absent in the GenBank data set and gnomAD v3.1.2 (PM2_supporting). The computational predictor MitoTIP suggests this variant impacts the function of this tRNA with a score of 76.70%, as does HmtVar with a score of 0.75 (PP3). In summary, there is not sufficient evidence to characterize this variant as pathogenic or benign, therefore it is characterized as a variant of uncertain significance for primary mitochondrial disease inherited in a mitochondrial manner. While this variant is reported in three affected individuals, absent from population databases, and predicted to effect tRNA function, additional evidence of pathogenicity is not yet present. This classification was approved by the NICHD U24 Mitochondrial Disease Variant Curation Expert Panel as of August 20, 2020. Mitochondrial DNA-specific ACMG/AMP criteria applied: PM2_supporting, PP3.

Wong Mito Lab, Molecular and Human Genetics, Baylor College of Medicine
Classification: Pathogenic for MELAS syndrome. Last evaluated: 2019-07-12. Review status: criteria provided, single submitter. Criteria: Modified ACMG Guidelines (Unpublished). Collection method: clinical testing. Allele origin: germline. Not counted in ClinVar's aggregate classification.
Comment: The NC_012920.1:m.5538G>A variant in MT-TW gene is interpreted to be a Pathogenic variant based on the modified ACMG guidelines (unpublished). This variant meets the following evidence codes reported in the guidelines: PS3, PM7, PM8, PM9, PP6

Literature cited by the submitters: PubMed 31965079 (cited by Wong Mito Lab, Molecular and Human Genetics, Baylor College of Medicine).